The following is an entry in ClinVar:

ClinVar aggregate classification (germline): Likely benign (0 of 4 stars; one submission).

Conditions:
PDGFRB-related disorder. Also called: PDGFRB-related condition.

Allele frequency attached by ClinVar (database versions not stated): gnomAD exomes 0.00001; gnomAD 0.00002; TOPMed 0.00002.
gnomAD v4.1: 14 of 1,610,646 alleles (0.00087%); highest among the groups gnomAD compares: Non-Finnish European, 0.0012%; no homozygotes.

Submission:

PreventionGenetics, part of Exact Sciences
Classification: Likely benign for PDGFRB-related condition. Last evaluated: 2019-08-30. Review status: no assertion criteria provided. Collection method: clinical testing. Allele origin: germline.
Comment: This variant is classified as likely benign based on ACMG/AMP sequence variant interpretation guidelines (Richards et al. 2015 PMID: 25741868, with internal and published modifications).

NM_002609.4(PDGFRB):c.1368-10C>T

Gene: PDGFRB (platelet derived growth factor receptor beta; minus strand). Cytogenetic location: 5q32.
Variant type: single nucleotide variant.
Coding change: c.1368-10C>T on transcript NM_002609.4 (MANE Select); 10 bases into the intron before coding-DNA position 1368, C replaced by T.
Molecular consequence: intron variant.
Genome position (GRCh38, 1-based): chr5:150,129,978, G>A on the plus strand (C>T on the coding strand, the complement: PDGFRB is on the minus strand). VCF-style: chr5-150129978-G-A. GRCh37 (hg19) VCF-style: chr5-149509541-G-A.
Other names: c.1176-10C>T (NM_001355016.2); c.885-10C>T (NM_001355017.2).
Identifiers: ClinVar variation 3053349 (VCV003053349.2), dbSNP rs1031485726, ClinGen allele CA129065762.